The following is an entry in ClinVar:

NM_005514.8(HLA-B):c.315G>T (p.Leu105=)

Gene: HLA-B (major histocompatibility complex, class I, B; minus strand). Cytogenetic location: 6p21.33.
Variant type: single nucleotide variant.
Coding change: c.315G>T on transcript NM_005514.8 (MANE Select); coding-DNA position 315, G replaced by T.
Protein change: p.Leu105=; no amino-acid change (leucine 105 retained).
Molecular consequence: synonymous variant.
Genome position (GRCh38, 1-based): chr6:31,356,716, C>A on the plus strand (G>T on the coding strand, the complement: HLA-B is on the minus strand). VCF-style: chr6-31356716-C-A. GRCh37 (hg19) VCF-style: chr6-31324493-C-A.
Identifiers: ClinVar variation 2656396 (VCV002656396.24), dbSNP rs41549513, ClinGen allele CA449791800.

ClinVar aggregate classification (germline): Likely benign (1 of 4 stars; one submission).

Submission:

CeGaT Center for Human Genetics Tuebingen
Classification: Likely benign. Last evaluated: 2026-09-01. Review status: criteria provided, single submitter. Criteria: CeGaT Center For Human Genetics Tuebingen Variant Classification Criteria Version 2. Collection method: clinical testing. Allele origin: germline. Affected: yes. Observed: 3 variant alleles.
Comment: HLA-B: BP4, BP7